The following is an entry in ClinVar:

NM_020944.3(GBA2):c.668G>A (p.Gly223Glu)

Gene: GBA2 (glucosylceramidase beta 2; minus strand). Cytogenetic location: 9p13.3.
Variant type: single nucleotide variant.
Coding change: c.668G>A on transcript NM_020944.3 (MANE Select); coding-DNA position 668, G replaced by A.
Protein change: p.Gly223Glu; replaces glycine 223 with glutamic acid.
Molecular consequence: missense variant.
Genome position (GRCh38, 1-based): chr9:35,741,790, C>T on the plus strand (G>A on the coding strand, the complement: GBA2 is on the minus strand). VCF-style: chr9-35741790-C-T. GRCh37 (hg19) VCF-style: chr9-35741787-C-T.
Other names: c.668G>A, p.Gly223Glu (NM_001330660.2); short protein forms G223E.
Identifiers: ClinVar variation 1302695 (VCV001302695.2), dbSNP rs1398835177, ClinGen allele CA373416934.

ClinVar aggregate classification (germline): Uncertain significance (1 of 4 stars; one submission).

Allele frequency attached by ClinVar (database versions not stated): gnomAD exomes below 0.00001.
gnomAD v4.1: 4 of 1,613,668 alleles (0.00025%); highest among the groups gnomAD compares: South Asian, 0.0044%; no homozygotes.

Submission:

GeneDx
Classification: Uncertain significance. Last evaluated: 2019-06-26. Review status: criteria provided, single submitter. Criteria: GeneDx Variant Classification Process June 2021. Collection method: clinical testing. Allele origin: germline. Affected: yes.
Comment: Not observed at a significant frequency in large population cohorts (Lek et al., 2016); In silico analysis, which includes protein predictors and evolutionary conservation, supports a deleterious effect; In-silico analysis, which includes splice predictors and evolutionary conservation, is inconclusive as to whether the variant alters gene splicing. In the absence of RNA/functional studies, the actual effect of this sequence change is unknown.; Has not been previously published as pathogenic or benign to our knowledge